The following is an entry in ClinVar:

NM_015338.6(ASXL1):c.1205G>A (p.Arg402Gln)

Gene: ASXL1 (ASXL transcriptional regulator 1; plus strand). Cytogenetic location: 20q11.21.
Variant type: single nucleotide variant.
Coding change: c.1205G>A on transcript NM_015338.6 (MANE Select); coding-DNA position 1205, G replaced by A.
Protein change: p.Arg402Gln; replaces arginine 402 with glutamine.
Molecular consequence: missense variant.
Genome position (GRCh38, 1-based): chr20:32,433,403, G>A. VCF-style: chr20-32433403-G-A. GRCh37 (hg19) VCF-style: chr20-31021206-G-A.
Other names: c.1022G>A, p.Arg341Gln (NM_001363734.1); short protein forms R341Q, R402Q.
Identifiers: ClinVar variation 1534353 (VCV001534353.14), dbSNP rs755749479, ClinGen allele CA9808318.

ClinVar aggregate classification (germline): Conflicting classifications of pathogenicity. Review status: criteria provided, conflicting classifications (1 of 4 stars). 4 submissions from 4 submitters: Uncertain significance (1); Likely benign (3). Last evaluated 2026-01-01.

Allele frequency attached by ClinVar (database versions not stated): ExAC 0.00002; gnomAD exomes 0.00002 and 0.00004; gnomAD 0.00004 and 0.00005; TOPMed 0.00004.
gnomAD v4.1: 41 of 1,614,056 alleles (0.0025%); highest among the groups gnomAD compares: Middle Eastern, 0.033%; no homozygotes.

Submissions (4):

CeGaT Center for Human Genetics Tuebingen
Classification: Likely benign. Last evaluated: 2026-01-01. Review status: criteria provided, single submitter. Criteria: CeGaT Center For Human Genetics Tuebingen Variant Classification Criteria Version 2. Collection method: clinical testing. Allele origin: germline. Affected: yes. Observed: 1 variant allele.
Comment: ASXL1: BP4

Labcorp Genetics (formerly Invitae), Labcorp
Classification: Likely benign. Last evaluated: 2024-11-18. Review status: criteria provided, single submitter. Criteria: Invitae Variant Classification Sherloc (09022015). Collection method: clinical testing. Allele origin: germline.

Women's Health and Genetics/Laboratory Corporation of America, LabCorp
Classification: Uncertain significance. Last evaluated: 2024-10-01. Review status: criteria provided, single submitter. Criteria: LabCorp Variant Classification Summary - May 2015. Collection method: clinical testing. Allele origin: germline.
Comment: Variant summary: ASXL1 c.1205G>A (p.Arg402Gln) results in a conservative amino acid change in the encoded protein sequence. Three of five in-silico tools predict a benign effect of the variant on protein function. The variant allele was found at a frequency of 3.6e-05 in 251468 control chromosomes. The available data on variant occurrences in the general population are insufficient to allow any conclusion about variant significance. c.1205G>A has been reported in the literature in a fetus affected with Dandy-Walker malformation (Li_2020). These report(s) do not provide unequivocal conclusions about association of the variant with Bohring-Opitz Syndrome. To our knowledge, no experimental evidence demonstrating an impact on protein function has been reported. The following publications have been ascertained in the context of this evaluation (PMID: 32386258). ClinVar contains an entry for this variant (Variation ID: 1534353). Based on the evidence outlined above, the variant was classified as uncertain significance.

GeneDx
Classification: Likely benign. Last evaluated: 2019-03-07. Review status: criteria provided, single submitter. Criteria: GeneDx Variant Classification Process June 2021. Collection method: clinical testing. Allele origin: germline. Affected: yes.
Comment: See Variant Classification Assertion Criteria.

Literature cited by the submitters: PubMed 22489043 (cited by Women's Health and Genetics/Laboratory Corporation of America, LabCorp); PubMed 24442206 (cited by Women's Health and Genetics/Laboratory Corporation of America, LabCorp); PubMed 24458439 (cited by Women's Health and Genetics/Laboratory Corporation of America, LabCorp); PubMed 25652455 (cited by Women's Health and Genetics/Laboratory Corporation of America, LabCorp); PubMed 24695057 (cited by Women's Health and Genetics/Laboratory Corporation of America, LabCorp); PubMed 23018865 (cited by Women's Health and Genetics/Laboratory Corporation of America, LabCorp); PubMed 21881046 (cited by Women's Health and Genetics/Laboratory Corporation of America, LabCorp); PubMed 23619563 (cited by Women's Health and Genetics/Laboratory Corporation of America, LabCorp); PubMed 20880116 (cited by Women's Health and Genetics/Laboratory Corporation of America, LabCorp); PubMed 23690417 (cited by Women's Health and Genetics/Laboratory Corporation of America, LabCorp); PubMed 22031865 (cited by Women's Health and Genetics/Laboratory Corporation of America, LabCorp); PubMed 25596267 (cited by Women's Health and Genetics/Laboratory Corporation of America, LabCorp); PubMed 22058207 (cited by Women's Health and Genetics/Laboratory Corporation of America, LabCorp); PubMed 24496303 (cited by Women's Health and Genetics/Laboratory Corporation of America, LabCorp); PubMed 21576631 (cited by Women's Health and Genetics/Laboratory Corporation of America, LabCorp); PubMed 24255920 (cited by Women's Health and Genetics/Laboratory Corporation of America, LabCorp); PubMed 27895058 (cited by Women's Health and Genetics/Laboratory Corporation of America, LabCorp); PubMed 27276561 (cited by Women's Health and Genetics/Laboratory Corporation of America, LabCorp); PubMed 27069254 (cited by Women's Health and Genetics/Laboratory Corporation of America, LabCorp); PubMed 32386258 (cited by Women's Health and Genetics/Laboratory Corporation of America, LabCorp).